The following is an entry in ClinVar:

ClinVar aggregate classification (germline): Uncertain significance (1 of 4 stars; one submission).

Conditions:
Familial adenomatous polyposis 1 (FAP1). Also called: FAMILIAL ADENOMATOUS POLYPOSIS 1, ATTENUATED; POLYPOSIS, ADENOMATOUS INTESTINAL. Identifiers: MedGen C2713442, MONDO:0021056, OMIM 175100. Disease mechanism: loss of function.

Submission:

Labcorp Genetics (formerly Invitae), Labcorp
Classification: Uncertain significance for Familial adenomatous polyposis 1. Last evaluated: 2021-12-04. Review status: criteria provided, single submitter. Criteria: Invitae Variant Classification Sherloc (09022015). Collection method: clinical testing. Allele origin: germline.
Comment: In summary, the available evidence is currently insufficient to determine the role of this variant in disease. Therefore, it has been classified as a Variant of Uncertain Significance. Experimental studies and prediction algorithms are not available or were not evaluated, and the functional significance of this variant is currently unknown. This variant has not been reported in the literature in individuals affected with APC-related conditions. This variant is not present in population databases (gnomAD no frequency). This variant occurs in a non-coding region of the APC gene. It does not change the encoded amino acid sequence of the APC protein.

NM_001127511.3(APC):c.16G>C (p.Gly6Arg)

Gene: APC (APC regulator of Wnt signaling pathway; plus strand). Cytogenetic location: 5q22.2.
Variant type: single nucleotide variant.
Coding change: c.16G>C on transcript NM_001127511.3; coding-DNA position 16, G replaced by C.
Protein change: p.Gly6Arg; replaces glycine 6 with arginine.
Molecular consequence: missense variant. On other transcripts: 5 prime UTR variant (8), non-coding transcript variant (1), intron variant (5).
Genome position (GRCh38, 1-based): chr5:112,707,733, G>C. VCF-style: chr5-112707733-G-C. GRCh37 (hg19) VCF-style: chr5-112043430-G-C.
Other names: c.-168G>C (NM_001354895.2, NM_001407447.1, NM_001407452.1 and 3 more transcripts); c.16G>C, p.Gly6Arg (NM_001354897.2, NM_001354902.2, NM_001407446.1); c.-1203G>C (NM_001407470.1, NM_001407472.1); c.-19+84G>C (NM_001407448.1, NM_001407450.1, NM_001407457.1 and 1 more transcripts); c.-43+84G>C (NM_001407453.1); short protein forms G6R.
Identifiers: ClinVar variation 2032544 (VCV002032544.4), dbSNP rs1043505718, ClinGen allele CA360611597.